The following is an entry in ClinVar:

ClinVar aggregate classification (germline): Uncertain significance (1 of 4 stars; one submission).

gnomAD v4.1: 2 of 1,613,852 alleles (0.00012%); highest among the groups gnomAD compares: Non-Finnish European, 0.00017%; no homozygotes.

Submission:

Labcorp Genetics (formerly Invitae), Labcorp
Classification: Uncertain significance. Last evaluated: 2024-03-18. Review status: criteria provided, single submitter. Criteria: Invitae Variant Classification Sherloc (09022015). Collection method: clinical testing. Allele origin: germline.
Comment: This sequence change replaces glutamic acid, which is acidic and polar, with lysine, which is basic and polar, at codon 1365 of the LRP6 protein (p.Glu1365Lys). This variant is not present in population databases (gnomAD no frequency). This variant has not been reported in the literature in individuals affected with LRP6-related conditions. Advanced modeling of protein sequence and biophysical properties (such as structural, functional, and spatial information, amino acid conservation, physicochemical variation, residue mobility, and thermodynamic stability) performed at Invitae indicates that this missense variant is not expected to disrupt LRP6 protein function with a negative predictive value of 80%. In summary, the available evidence is currently insufficient to determine the role of this variant in disease. Therefore, it has been classified as a Variant of Uncertain Significance.

NM_002336.3(LRP6):c.4093G>A (p.Glu1365Lys)

Gene: LRP6 (LDL receptor related protein 6; minus strand). Cytogenetic location: 12p13.2.
Variant type: single nucleotide variant.
Coding change: c.4093G>A on transcript NM_002336.3 (MANE Select); coding-DNA position 4093, G replaced by A.
Protein change: p.Glu1365Lys; replaces glutamic acid 1365 with lysine.
Molecular consequence: missense variant. On other transcripts: non-coding transcript variant (1).
Genome position (GRCh38, 1-based): chr12:12,126,910, C>T on the plus strand (G>A on the coding strand, the complement: LRP6 is on the minus strand). VCF-style: chr12-12126910-C-T. GRCh37 (hg19) VCF-style: chr12-12279844-C-T.
Other names: c.3640G>A, p.Glu1214Lys (NM_001414253.1, NM_001414254.1, NM_001414252.1); c.3586G>A, p.Glu1196Lys (NM_001414255.1); c.4186G>A, p.Glu1396Lys (NM_001414244.1); c.4093G>A, p.Glu1365Lys (NM_001414245.1, NM_001414248.1, NM_001414249.1 and 1 more transcripts); c.3958G>A, p.Glu1320Lys (NM_001414246.1); c.3895G>A, p.Glu1299Lys (NM_001414247.1); c.3730G>A, p.Glu1244Lys (NM_001414251.1); short protein forms E1244K, E1214K, E1365K, E1396K, E1196K, E1299K, E1320K.
Identifiers: ClinVar variation 3698289 (VCV003698289.2).
Genomic context (GRCh38, chr12:12,126,910, plus strand): 5'-AAATGGTGACAATTACGCCAATAACAGAACCAACTGTATTGGTGGCCTGTGGTGCTGGTT[C>T]TTCAGTCGGATCTACAATGAAGAATGCAGTATGGTTATTTAATAGAAAAACAACTGTATA-3'
Protein context (NP_002327.2, residues 1355-1375): SDELDCYPTE[Glu1365Lys]PAPQATNTVG